The following is an entry in ClinVar:

NM_022081.6(HPS4):c.1454C>T (p.Thr485Met)

Gene: HPS4 (HPS4 biogenesis of lysosomal organelles complex 3 subunit 2; minus strand). Cytogenetic location: 22q12.1.
Variant type: single nucleotide variant.
Coding change: c.1454C>T on transcript NM_022081.6 (MANE Select); coding-DNA position 1454, C replaced by T.
Protein change: p.Thr485Met; replaces threonine 485 with methionine.
Molecular consequence: missense variant. On other transcripts: non-coding transcript variant (8).
Genome position (GRCh38, 1-based): chr22:26,464,176, G>A on the plus strand (C>T on the coding strand, the complement: HPS4 is on the minus strand). VCF-style: chr22-26464176-G-A. GRCh37 (hg19) VCF-style: chr22-26860142-G-A.
Other names: c.1454C>T, p.Thr485Met (NM_001349896.1, NM_001349898.2, NM_001349899.2 and 4 more transcripts); c.1508C>T, p.Thr503Met (NM_001349900.2, NM_001349901.1); c.1439C>T, p.Thr480Met (NM_152841.2); c.1454C>T (NM_022081.4); short protein forms T480M, T485M, T503M.
Identifiers: ClinVar variation 1367658 (VCV001367658.6), dbSNP rs772234990, ClinGen allele CA10163322.
Genomic context (GRCh38, chr22:26,464,176, plus strand): 5'-CCAGGGGCTGCGTGGCTTTCACAGACCCCATCAACATCCTCATCCAGGCCTTGTTCCCCC[G>A]TGGGAAGCTTGTTTCCTCTCTGTCCTGGATCTAAGCGAGGCAATAACAAGGGCCTGCGGG-3'
Protein context (NP_071364.4, residues 475-495): DPGQRGNKLP[Thr485Met]GEQGLDEDVD

ClinVar aggregate classification (germline): Uncertain significance. Review status: criteria provided, multiple submitters, no conflicts (2 of 4 stars). 2 submissions from 2 submitters: Uncertain significance (2). Last evaluated 2024-02-06.

Conditions:
Inborn genetic diseases. Identifiers: MedGen C0950123, MeSH D030342.

Allele frequency attached by ClinVar (database versions not stated): TOPMed 0.00002; gnomAD 0.00003; gnomAD exomes 0.00003; ExAC 0.00004.
gnomAD v4.1: 36 of 1,614,102 alleles (0.0022%); highest among the groups gnomAD compares: East Asian, 0.0067%; no homozygotes.

Submissions (2):

Ambry Genetics
Classification: Uncertain significance for Inborn genetic diseases. Last evaluated: 2024-02-06. Review status: criteria provided, single submitter. Criteria: Ambry Variant Classification Scheme 2023. Collection method: clinical testing. Allele origin: germline.

Labcorp Genetics (formerly Invitae), Labcorp
Classification: Uncertain significance. Last evaluated: 2022-02-25. Review status: criteria provided, single submitter. Criteria: Invitae Variant Classification Sherloc (09022015). Collection method: clinical testing. Allele origin: germline.
Comment: This sequence change replaces threonine, which is neutral and polar, with methionine, which is neutral and non-polar, at codon 485 of the HPS4 protein (p.Thr485Met). This variant is present in population databases (rs772234990, gnomAD 0.01%). This variant has not been reported in the literature in individuals affected with HPS4-related conditions. Algorithms developed to predict the effect of missense changes on protein structure and function output the following: SIFT: "Tolerated"; PolyPhen-2: "Benign"; Align-GVGD: "Class C0". The methionine amino acid residue is found in multiple mammalian species, which suggests that this missense change does not adversely affect protein function. In summary, the available evidence is currently insufficient to determine the role of this variant in disease. Therefore, it has been classified as a Variant of Uncertain Significance.